The following is an entry in ClinVar:

ClinVar aggregate classification (germline): Pathogenic (1 of 4 stars; one submission).

Conditions:
Hereditary cancer-predisposing syndrome. Also called: Hereditary neoplastic syndrome; Neoplastic Syndromes, Hereditary; Tumor predisposition; Hereditary Cancer Syndrome. Identifiers: Orphanet 140162, MedGen C0027672, MeSH D009386, MONDO:0015356.

Submission:

Ambry Genetics
Classification: Pathogenic for Hereditary cancer-predisposing syndrome. Last evaluated: 2021-05-14. Review status: criteria provided, single submitter. Criteria: Ambry Variant Classification Scheme 2023. Collection method: clinical testing. Allele origin: germline.
Comment: The c.9057delA pathogenic mutation, located in coding exon 62 of the ATM gene, results from a deletion of one nucleotide at nucleotide position 9057, causing a translational frameshift with a predicted alternate stop codon (p.V3020Wfs*13). This alteration occurs at the 3' terminus of theATM gene, is not expected to trigger nonsense-mediated mRNA decay, and only impacts the last 37 amino acids of the protein. However, premature stop codons are typically deleterious in nature and the impacted region is critical for protein function (Ambry internal data). Based on the supporting evidence, this alteration is interpreted as a disease-causing mutation.

NM_000051.4(ATM):c.9057del (p.Val3020fs)

Genes: C11orf65 (chromosome 11 open reading frame 65; minus strand), ATM (ATM serine/threonine kinase; plus strand). Cytogenetic location: 11q22.3.
Variant type: Deletion.
Coding change: c.9057del on transcript NM_000051.4 (MANE Select); coding-DNA position 9057, one base deleted (A; older notation c.9057delA).
Protein change: p.Val3020fs; shifts the reading frame from valine 3020.
Molecular consequence: frameshift variant. On other transcripts: intron variant (2).
Genome position (GRCh38, 1-based): chr11:108,365,394, A deleted. VCF-style (leftmost placement, unchanged base first): chr11-108365393-GA-G. GRCh37 (hg19) VCF-style: chr11-108236120-GA-G.
Other names: c.9057del, p.Val3020fs (NM_001351834.2); c.640+20526del (NM_001330368.2); c.694+20526del (NM_001351110.2); short protein forms V3020fs.
Identifiers: ClinVar variation 1765610 (VCV001765610.2), dbSNP rs2547684330, ClinGen allele CA2580083170.